The following is an entry in ClinVar:

NM_032578.4(MYPN):c.2729A>G (p.Gln910Arg)

Gene: MYPN (myopalladin; plus strand). Cytogenetic location: 10q21.3.
Variant type: single nucleotide variant.
Coding change: c.2729A>G on transcript NM_032578.4 (MANE Select); coding-DNA position 2729, A replaced by G.
Protein change: p.Gln910Arg; replaces glutamine 910 with arginine.
Molecular consequence: missense variant. On other transcripts: non-coding transcript variant (2).
Genome position (GRCh38, 1-based): chr10:68,188,930, A>G. VCF-style: chr10-68188930-A-G. GRCh37 (hg19) VCF-style: chr10-69948687-A-G.
Other names: c.2729A>G, p.Gln910Arg (NM_001256267.2); c.1847A>G, p.Gln616Arg (NM_001256268.2); short protein forms Q616R, Q910R.
Identifiers: ClinVar variation 1350970 (VCV001350970.8), dbSNP rs2043464810, ClinGen allele CA376853192.

ClinVar aggregate classification (germline): Uncertain significance (1 of 4 stars; one submission).

Conditions:
Dilated cardiomyopathy 1KK (CMD1KK). Identifiers: Orphanet 154, Orphanet 75249, MedGen C3714995, MONDO:0014100, OMIM 615248.

Allele frequency attached by ClinVar (database versions not stated): gnomAD exomes below 0.00001; gnomAD 0.00001.
gnomAD v4.1: 3 of 1,613,956 alleles (0.00019%); highest among the groups gnomAD compares: Admixed American, 0.0017%; no homozygotes.

Submission:

Labcorp Genetics (formerly Invitae), Labcorp
Classification: Uncertain significance for Dilated cardiomyopathy 1KK. Last evaluated: 2024-06-17. Review status: criteria provided, single submitter. Criteria: Invitae Variant Classification Sherloc (09022015). Collection method: clinical testing. Allele origin: germline.
Comment: This sequence change replaces glutamine, which is neutral and polar, with arginine, which is basic and polar, at codon 910 of the MYPN protein (p.Gln910Arg). This variant is not present in population databases (gnomAD no frequency). This variant has not been reported in the literature in individuals affected with MYPN-related conditions. ClinVar contains an entry for this variant (Variation ID: 1350970). An algorithm developed to predict the effect of missense changes on protein structure and function (PolyPhen-2) suggests that this variant is likely to be disruptive. In summary, the available evidence is currently insufficient to determine the role of this variant in disease. Therefore, it has been classified as a Variant of Uncertain Significance.